The following is an entry in ClinVar:

NM_025193.4(HSD3B7):c.531+9A>C

Gene: HSD3B7 (hydroxy-delta-5-steroid dehydrogenase, 3 beta- and steroid delta-isomerase 7; plus strand). Cytogenetic location: 16p11.2.
Variant type: single nucleotide variant.
Coding change: c.531+9A>C on transcript NM_025193.4 (MANE Select); 9 bases into the intron after coding-DNA position 531, A replaced by C.
Molecular consequence: intron variant.
Genome position (GRCh38, 1-based): chr16:30,986,713, A>C. VCF-style: chr16-30986713-A-C. GRCh37 (hg19) VCF-style: chr16-30998034-A-C.
Other names: c.531+9A>C (NM_001142777.2, NM_001142778.2).
Identifiers: ClinVar variation 3056176 (VCV003056176.2), dbSNP rs1246149021, ClinGen allele CA622171179.

ClinVar aggregate classification (germline): Likely benign (0 of 4 stars; one submission).

Conditions:
HSD3B7-related disorder. Also called: HSD3B7-related condition.

Allele frequency attached by ClinVar (database versions not stated): gnomAD exomes below 0.00001.
gnomAD v4.1: 2 of 1,613,720 alleles (0.00012%); highest among the groups gnomAD compares: Admixed American, 0.0033%; no homozygotes.

Submission:

PreventionGenetics, part of Exact Sciences
Classification: Likely benign for HSD3B7-related condition. Last evaluated: 2021-05-03. Review status: no assertion criteria provided. Collection method: clinical testing. Allele origin: germline.
Comment: This variant is classified as likely benign based on ACMG/AMP sequence variant interpretation guidelines (Richards et al. 2015 PMID: 25741868, with internal and published modifications).